The following is an entry in ClinVar:

NM_015102.5(NPHP4):c.2885C>T (p.Thr962Met)

Gene: NPHP4 (nephrocystin 4; minus strand). Cytogenetic location: 1p36.31.
Variant type: single nucleotide variant.
Coding change: c.2885C>T on transcript NM_015102.5 (MANE Select); coding-DNA position 2885, C replaced by T.
Protein change: p.Thr962Met; replaces threonine 962 with methionine.
Molecular consequence: missense variant. On other transcripts: non-coding transcript variant (1).
Genome position (GRCh38, 1-based): chr1:5,875,033, G>A on the plus strand (C>T on the coding strand, the complement: NPHP4 is on the minus strand). VCF-style: chr1-5875033-G-A. GRCh37 (hg19) VCF-style: chr1-5935093-G-A.
Other names: c.1346C>T, p.Thr449Met (NM_001291593.2); c.1349C>T, p.Thr450Met (NM_001291594.2); c.2885C>T (NM_015102.3); short protein forms T449M, T450M, T962M.
Identifiers: ClinVar variation 1434541 (VCV001434541.7), dbSNP rs552595155, ClinGen allele CA553887.

ClinVar aggregate classification (germline): Uncertain significance. Review status: criteria provided, multiple submitters, no conflicts (2 of 4 stars). 2 submissions from 2 submitters: Uncertain significance (2). Last evaluated 2025-06-10.

Conditions:
Inborn genetic diseases. Identifiers: MedGen C0950123, MeSH D030342.
Nephronophthisis. Also called: Juvenile Nephronophthisis. Identifiers: Orphanet 655, MedGen C0687120, MONDO:0019005, HP:0000090.

Allele frequency attached by ClinVar (database versions not stated): ExAC 0.00001; TOPMed 0.00010; gnomAD exomes 0.00001; 1000 Genomes Project 30x 0.00016; 1000 Genomes Project 0.00020; gnomAD 0.00005.
gnomAD v4.1: 35 of 1,609,788 alleles (0.0022%); highest among the groups gnomAD compares: Admixed American, 0.01%; no homozygotes.

Submissions (2):

Ambry Genetics
Classification: Uncertain significance for Inborn genetic diseases. Last evaluated: 2025-06-10. Review status: criteria provided, single submitter. Criteria: Ambry Variant Classification Scheme 2023. Collection method: clinical testing. Allele origin: germline.

Labcorp Genetics (formerly Invitae), Labcorp
Classification: Uncertain significance for Nephronophthisis. Last evaluated: 2023-12-11. Review status: criteria provided, single submitter. Criteria: Invitae Variant Classification Sherloc (09022015). Collection method: clinical testing. Allele origin: germline.
Comment: This sequence change replaces threonine, which is neutral and polar, with methionine, which is neutral and non-polar, at codon 962 of the NPHP4 protein (p.Thr962Met). The frequency data for this variant in the population databases is considered unreliable, as metrics indicate poor data quality at this position in the gnomAD database. This variant has not been reported in the literature in individuals affected with NPHP4-related conditions. ClinVar contains an entry for this variant (Variation ID: 1434541). Advanced modeling of protein sequence and biophysical properties (such as structural, functional, and spatial information, amino acid conservation, physicochemical variation, residue mobility, and thermodynamic stability) performed at Invitae indicates that this missense variant is expected to disrupt NPHP4 protein function with a positive predictive value of 80%. In summary, the available evidence is currently insufficient to determine the role of this variant in disease. Therefore, it has been classified as a Variant of Uncertain Significance.